The following is an entry in ClinVar:

ClinVar aggregate classification (germline): Uncertain significance. Review status: criteria provided, multiple submitters, no conflicts (2 of 4 stars). 3 submissions from 3 submitters: Uncertain significance (3). Last evaluated 2026-07-13.

Allele frequency attached by ClinVar (database versions not stated): gnomAD 0.00002; TOPMed 0.00002; ExAC 0.00012.
gnomAD v4.1: 16 of 1,457,316 alleles (0.0011%); highest among the groups gnomAD compares: Middle Eastern, 0.018%; no homozygotes.

Submissions (3):

GeneDx
Classification: Uncertain significance. Last evaluated: 2026-07-13. Review status: criteria provided, single submitter. Criteria: GeneDx Variant Classification Process June 2021. Collection method: clinical testing. Allele origin: germline.
Comment: Not observed at significant frequency in large population cohorts (gnomAD); In silico analysis suggests that this missense variant does not alter protein structure/function; Has not been previously published as pathogenic or benign to our knowledge

Ambry Genetics
Classification: Uncertain significance. Last evaluated: 2025-04-01. Review status: criteria provided, single submitter. Criteria: Ambry Variant Classification Scheme 2023. Collection method: clinical testing. Allele origin: germline.

Labcorp Genetics (formerly Invitae), Labcorp
Classification: Uncertain significance. Last evaluated: 2023-01-24. Review status: criteria provided, single submitter. Criteria: Invitae Variant Classification Sherloc (09022015). Collection method: clinical testing. Allele origin: germline.
Comment: This variant is not present in population databases (gnomAD no frequency). This variant has not been reported in the literature in individuals affected with SBF1-related conditions. Algorithms developed to predict the effect of missense changes on protein structure and function output the following: SIFT: "Deleterious"; PolyPhen-2: "Probably Damaging"; Align-GVGD: "Class C0". The tryptophan amino acid residue is found in multiple mammalian species, which suggests that this missense change does not adversely affect protein function. In summary, the available evidence is currently insufficient to determine the role of this variant in disease. Therefore, it has been classified as a Variant of Uncertain Significance. This sequence change replaces arginine, which is basic and polar, with tryptophan, which is neutral and slightly polar, at codon 1297 of the SBF1 protein (p.Arg1297Trp).

NM_002972.4(SBF1):c.3889C>T (p.Arg1297Trp)

Gene: SBF1 (SET binding factor 1; minus strand). Cytogenetic location: 22q13.33.
Variant type: single nucleotide variant.
Coding change: c.3889C>T on transcript NM_002972.4 (MANE Select); coding-DNA position 3889, C replaced by T.
Protein change: p.Arg1297Trp; replaces arginine 1297 with tryptophan.
Molecular consequence: missense variant. On other transcripts: intron variant (1).
Genome position (GRCh38, 1-based): chr22:50,457,049, G>A on the plus strand (C>T on the coding strand, the complement: SBF1 is on the minus strand). VCF-style: chr22-50457049-G-A. GRCh37 (hg19) VCF-style: chr22-50895478-G-A.
Other names: c.3892C>T, p.Arg1298Trp (NM_001410794.1); c.3889C>T, p.Arg1297Trp (NM_197971.1); c.3830-376C>T (NM_001365819.1); c.3889C>T (NM_002972.2); short protein forms R1298W, R1297W.
Identifiers: ClinVar variation 2076766 (VCV002076766.6), dbSNP rs750095347, ClinGen allele CA10316509.
Genomic context (GRCh38, chr22:50,457,049, plus strand): 5'-GCACCAAGTAAGGGGAGGCGGGCCTGCGCAGGCTCGGTACGGTACCTCGGGGTGCGGTCC[G>A]TCTGGAGGCCGAGGCCGCCATGGGGTTGGACAGCGTGGTGACCCTGGCTCTGGGGCTGGG-3'
Protein context (NP_002963.2, residues 1287-1307): SNPMAASASR[Arg1297Trp]TAPRGKWGSV